The following is an entry in ClinVar:

ClinVar aggregate classification (germline): Uncertain significance (1 of 4 stars; one submission).

Allele frequency attached by ClinVar (database versions not stated): gnomAD 0.00003.
gnomAD v4.1: 31 of 1,614,096 alleles (0.0019%); highest among the groups gnomAD compares: Non-Finnish European, 0.0025%; no homozygotes.

Submission:

Labcorp Genetics (formerly Invitae), Labcorp
Classification: Uncertain significance. Last evaluated: 2022-03-29. Review status: criteria provided, single submitter. Criteria: Invitae Variant Classification Sherloc (09022015). Collection method: clinical testing. Allele origin: germline.
Comment: In summary, the available evidence is currently insufficient to determine the role of this variant in disease. Therefore, it has been classified as a Variant of Uncertain Significance. Algorithms developed to predict the effect of missense changes on protein structure and function are either unavailable or do not agree on the potential impact of this missense change (SIFT: "Deleterious"; PolyPhen-2: "Probably Damaging"; Align-GVGD: "Class C0"). This variant has not been reported in the literature in individuals affected with AASS-related conditions. This variant is present in population databases (no rsID available, gnomAD 0.002%). This sequence change replaces tyrosine, which is neutral and polar, with cysteine, which is neutral and slightly polar, at codon 203 of the AASS protein (p.Tyr203Cys).

NM_005763.4(AASS):c.608A>G (p.Tyr203Cys)

Gene: AASS (aminoadipate-semialdehyde synthase; minus strand). Cytogenetic location: 7q31.32.
Variant type: single nucleotide variant.
Coding change: c.608A>G on transcript NM_005763.4 (MANE Select); coding-DNA position 608, A replaced by G.
Protein change: p.Tyr203Cys; replaces tyrosine 203 with cysteine.
Molecular consequence: missense variant.
Genome position (GRCh38, 1-based): chr7:122,118,386, T>C on the plus strand (A>G on the coding strand, the complement: AASS is on the minus strand). VCF-style: chr7-122118386-T-C. GRCh37 (hg19) VCF-style: chr7-121758440-T-C.
Other names: short protein forms Y203C.
Identifiers: ClinVar variation 1934278 (VCV001934278.5), dbSNP rs763179634, ClinGen allele CA369020590.